The following is an entry in ClinVar:

ClinVar aggregate classification (germline): Likely benign (0 of 4 stars; one submission).

Conditions:
MYH9-related disorder. Identifiers: MedGen C1854520.

Allele frequency attached by ClinVar (database versions not stated): TOPMed below 0.00001; ExAC 0.00001; gnomAD 0.00001; gnomAD exomes 0.00001.
gnomAD v4.1: 5 of 1,613,238 alleles (0.00031%); highest among the groups gnomAD compares: Non-Finnish European, 0.00042%; no homozygotes.

Submission:

PreventionGenetics, part of Exact Sciences
Classification: Likely benign for MYH9-related condition. Last evaluated: 2019-07-30. Review status: no assertion criteria provided. Collection method: clinical testing. Allele origin: germline.
Comment: This variant is classified as likely benign based on ACMG/AMP sequence variant interpretation guidelines (Richards et al. 2015 PMID: 25741868, with internal and published modifications).

NM_002473.6(MYH9):c.5483+10C>T

Gene: MYH9 (myosin heavy chain 9; minus strand). Cytogenetic location: 22q12.3.
Variant type: single nucleotide variant.
Coding change: c.5483+10C>T on transcript NM_002473.6 (MANE Select); 10 bases into the intron after coding-DNA position 5483, C replaced by T.
Molecular consequence: intron variant.
Genome position (GRCh38, 1-based): chr22:36,285,111, G>A on the plus strand (C>T on the coding strand, the complement: MYH9 is on the minus strand). VCF-style: chr22-36285111-G-A. GRCh37 (hg19) VCF-style: chr22-36681157-G-A.
Identifiers: ClinVar variation 3049680 (VCV003049680.2), dbSNP rs749979349, ClinGen allele CA10209045.